The following is an entry in ClinVar:

ClinVar aggregate classification (germline): Uncertain significance (1 of 4 stars; one submission).

Conditions:
Familial adenomatous polyposis 1 (FAP1). Also called: FAMILIAL ADENOMATOUS POLYPOSIS 1, ATTENUATED; POLYPOSIS, ADENOMATOUS INTESTINAL. Identifiers: MedGen C2713442, MONDO:0021056, OMIM 175100. Disease mechanism: loss of function.

Submission:

Labcorp Genetics (formerly Invitae), Labcorp
Classification: Uncertain significance for Familial adenomatous polyposis 1. Last evaluated: 2022-12-07. Review status: criteria provided, single submitter. Criteria: Invitae Variant Classification Sherloc (09022015). Collection method: clinical testing. Allele origin: germline.
Comment: In summary, the available evidence is currently insufficient to determine the role of this variant in disease. Therefore, it has been classified as a Variant of Uncertain Significance. Experimental studies and prediction algorithms are not available or were not evaluated, and the functional significance of this variant is currently unknown. This variant has not been reported in the literature in individuals affected with APC-related conditions. This variant is not present in population databases (gnomAD no frequency). This variant occurs in a non-coding region of the APC gene. It does not change the encoded amino acid sequence of the APC protein.

NM_001127511.3(APC):c.139T>G (p.Ser47Ala)

Gene: APC (APC regulator of Wnt signaling pathway; plus strand). Cytogenetic location: 5q22.2.
Variant type: single nucleotide variant.
Coding change: c.139T>G on transcript NM_001127511.3; coding-DNA position 139, T replaced by G.
Protein change: p.Ser47Ala; replaces serine 47 with alanine.
Molecular consequence: missense variant. On other transcripts: intron variant (5), 5 prime UTR variant (8), non-coding transcript variant (1).
Genome position (GRCh38, 1-based): chr5:112,707,856, T>G. VCF-style: chr5-112707856-T-G. GRCh37 (hg19) VCF-style: chr5-112043553-T-G.
Other names: c.-43+207T>G (NM_001407453.1); c.-45T>G (NM_001354895.2, NM_001407447.1, NM_001407452.1 and 3 more transcripts); c.139T>G, p.Ser47Ala (NM_001354897.2, NM_001354902.2, NM_001407446.1); c.-1080T>G (NM_001407470.1, NM_001407472.1); c.-19+207T>G (NM_001407448.1, NM_001407450.1, NM_001407457.1 and 1 more transcripts); short protein forms S47A.
Identifiers: ClinVar variation 2819088 (VCV002819088.3), dbSNP rs2149631336, ClinGen allele CA360612124.